The following is an entry in ClinVar:

NM_015693.4(INTU):c.229A>G (p.Ser77Gly)

Gene: INTU (inturned planar cell polarity protein; plus strand). Cytogenetic location: 4q28.1.
Variant type: single nucleotide variant.
Coding change: c.229A>G on transcript NM_015693.4 (MANE Select); coding-DNA position 229, A replaced by G.
Protein change: p.Ser77Gly; replaces serine 77 with glycine.
Molecular consequence: missense variant.
Genome position (GRCh38, 1-based): chr4:127,643,603, A>G. VCF-style: chr4-127643603-A-G. GRCh37 (hg19) VCF-style: chr4-128564758-A-G.
Other names: short protein forms S77G.
Identifiers: ClinVar variation 2908257 (VCV002908257.3), dbSNP rs2530892101, ClinGen allele CA358133093.

ClinVar aggregate classification (germline): Uncertain significance (1 of 4 stars; one submission).

Submission:

Labcorp Genetics (formerly Invitae), Labcorp
Classification: Uncertain significance. Last evaluated: 2023-02-16. Review status: criteria provided, single submitter. Criteria: Invitae Variant Classification Sherloc (09022015). Collection method: clinical testing. Allele origin: germline.
Comment: This sequence change replaces serine, which is neutral and polar, with glycine, which is neutral and non-polar, at codon 77 of the INTU protein (p.Ser77Gly). This variant is not present in population databases (gnomAD no frequency). This variant has not been reported in the literature in individuals affected with INTU-related conditions. Advanced modeling of protein sequence and biophysical properties (such as structural, functional, and spatial information, amino acid conservation, physicochemical variation, residue mobility, and thermodynamic stability) performed at Invitae indicates that this missense variant is not expected to disrupt INTU protein function. In summary, the available evidence is currently insufficient to determine the role of this variant in disease. Therefore, it has been classified as a Variant of Uncertain Significance.